The following is an entry in ClinVar:

ClinVar aggregate classification (germline): Uncertain significance (1 of 4 stars; one submission).

Submission:

Ambry Genetics
Classification: Uncertain significance. Last evaluated: 2025-09-02. Review status: criteria provided, single submitter. Criteria: Ambry Variant Classification Scheme 2023. Collection method: clinical testing. Allele origin: germline.
Comment: The p.S1973T variant (also known as c.5918G>C), located in coding exon 23 of the WNK2 gene, results from a G to C substitution at nucleotide position 5918. The serine at codon 1973 is replaced by threonine, an amino acid with similar properties. This amino acid position is conserved. In addition, this alteration is predicted to be tolerated by in silico analysis. Based on the available evidence, the clinical significance of this variant remains unclear.

NM_006648.4(WNK2):c.5918G>C (p.Ser1973Thr)

Gene: WNK2 (WNK lysine deficient protein kinase 2; plus strand). Cytogenetic location: 9q22.31.
Variant type: single nucleotide variant.
Coding change: c.5918G>C on transcript NM_006648.4 (MANE Select); coding-DNA position 5918, G replaced by C.
Protein change: p.Ser1973Thr; replaces serine 1973 with threonine.
Molecular consequence: missense variant.
Genome position (GRCh38, 1-based): chr9:93,298,062, G>C. VCF-style: chr9-93298062-G-C. GRCh37 (hg19) VCF-style: chr9-96060344-G-C.
Other names: c.6029G>C, p.Ser2010Thr (NM_001282394.3); short protein forms S1973T, S2010T.
Identifiers: ClinVar variation 4201868 (VCV004201868.1).